The following is an entry in ClinVar:

ClinVar aggregate classification (germline): Likely benign. Review status: criteria provided, multiple submitters, no conflicts (2 of 4 stars). 4 submissions from 4 submitters: Likely benign (3). 1 of the submissions does not count toward it. Last evaluated 2025-11-15.

Conditions:
Cerebral palsy, spastic quadriplegic, 2 (CPSQ2). Identifiers: Orphanet 210141, MedGen C2752061, MONDO:0013033, OMIM 612900.
KANK1-related disorder. Also called: KANK1-related condition.

Allele frequency attached by ClinVar (database versions not stated): ExAC 0.00007; gnomAD 0.00007; TOPMed 0.00008; gnomAD exomes 0.00010.
gnomAD v4.1: 130 of 1,614,216 alleles (0.0081%); highest among the groups gnomAD compares: Middle Eastern, 0.12%; no homozygotes.

Submissions (4):

Labcorp Genetics (formerly Invitae), Labcorp
Classification: Likely benign. Last evaluated: 2025-11-15. Review status: criteria provided, single submitter. Criteria: Invitae Variant Classification Sherloc (09022015). Collection method: clinical testing. Allele origin: germline.

Blueprint Genetics
Classification: Likely benign. Last evaluated: 2024-04-08. Review status: criteria provided, single submitter. Criteria: ACMG Guidelines, 2015. Collection method: clinical testing. Allele origin: germline.

Fulgent Genetics
Classification: Likely benign for Cerebral palsy, spastic quadriplegic, 2. Last evaluated: 2021-10-10. Review status: criteria provided, single submitter. Criteria: ACMG Guidelines, 2015. Collection method: clinical testing. Allele origin: unknown.

PreventionGenetics, part of Exact Sciences
Classification: Likely benign for KANK1-related condition. Last evaluated: 2022-01-01. Review status: no assertion criteria provided. Collection method: clinical testing. Allele origin: germline. Not counted in ClinVar's aggregate classification.
Comment: This variant is classified as likely benign based on ACMG/AMP sequence variant interpretation guidelines (Richards et al. 2015 PMID: 25741868, with internal and published modifications).

NM_015158.5(KANK1):c.2202G>T (p.Arg734=)

Gene: KANK1 (KN motif and ankyrin repeat domains 1; plus strand). Cytogenetic location: 9p24.3.
Variant type: single nucleotide variant.
Coding change: c.2202G>T on transcript NM_015158.5 (MANE Select); coding-DNA position 2202, G replaced by T.
Protein change: p.Arg734=; no amino-acid change (arginine 734 retained).
Molecular consequence: synonymous variant. On other transcripts: non-coding transcript variant (1).
Genome position (GRCh38, 1-based): chr9:712,968, G>T. VCF-style: chr9-712968-G-T. GRCh37 (hg19) VCF-style: chr9-712968-G-T.
Other names: c.2202G>T, p.Arg734= (NM_001256877.3, NM_001354331.2, NM_001354332.2 and 2 more transcripts); c.1728G>T, p.Arg576= (NM_001354333.2, NM_001354335.2, NM_001354336.2 and 9 more transcripts).
Identifiers: ClinVar variation 784508 (VCV000784508.11), dbSNP rs201557720, ClinGen allele CA4960454.